The following is an entry in ClinVar:

ClinVar aggregate classification (germline): Uncertain significance (1 of 4 stars; one submission).

Conditions:
Cardiovascular phenotype. Identifiers: MedGen CN230736.

Allele frequency attached by ClinVar (database versions not stated): gnomAD 0.00001; gnomAD exomes 0.00001; TOPMed 0.00003; ExAC 0.00008.
gnomAD v4.1: 16 of 1,612,786 alleles (0.00099%); highest among the groups gnomAD compares: East Asian, 0.029%; no homozygotes.

Submission:

Ambry Genetics
Classification: Uncertain significance for Cardiovascular phenotype. Last evaluated: 2025-01-04. Review status: criteria provided, single submitter. Criteria: Ambry Variant Classification Scheme 2023. Collection method: clinical testing. Allele origin: germline.
Comment: The p.D1512N variant (also known as c.4534G>A), located in coding exon 11 of the TNXB gene, results from a G to A substitution at nucleotide position 4534. The aspartic acid at codon 1512 is replaced by asparagine, an amino acid with highly similar properties. This amino acid position is conserved. In addition, this alteration is predicted to be tolerated by in silico analysis. Based on the available evidence, the clinical significance of this variant remains unclear.

NM_001365276.2(TNXB):c.4534G>A (p.Asp1512Asn)

Gene: TNXB (tenascin XB; minus strand). Cytogenetic location: 6p21.33.
Variant type: single nucleotide variant.
Coding change: c.4534G>A on transcript NM_001365276.2 (MANE Select); coding-DNA position 4534, G replaced by A.
Protein change: p.Asp1512Asn; replaces aspartic acid 1512 with asparagine.
Molecular consequence: missense variant.
Genome position (GRCh38, 1-based): chr6:32,073,794, C>T on the plus strand (G>A on the coding strand, the complement: TNXB is on the minus strand). VCF-style: chr6-32073794-C-T. GRCh37 (hg19) VCF-style: chr6-32041571-C-T.
Other names: c.4534G>A, p.Asp1512Asn (NM_019105.8); short protein forms D1512N.
Identifiers: ClinVar variation 2605408 (VCV002605408.3), dbSNP rs770885723, ClinGen allele CA3734933.